The following is an entry in ClinVar:

NM_000092.5(COL4A4):c.41G>T (p.Arg14Ile)

Gene: COL4A4 (collagen type IV alpha 4 chain; minus strand). Cytogenetic location: 2q36.3.
Variant type: single nucleotide variant.
Coding change: c.41G>T on transcript NM_000092.5 (MANE Select); coding-DNA position 41, G replaced by T.
Protein change: p.Arg14Ile; replaces arginine 14 with isoleucine.
Molecular consequence: missense variant.
Genome position (GRCh38, 1-based): chr2:227,147,443, C>A on the plus strand (G>T on the coding strand, the complement: COL4A4 is on the minus strand). VCF-style: chr2-227147443-C-A. GRCh37 (hg19) VCF-style: chr2-228012159-C-A.
Other names: short protein forms R14I.
Identifiers: ClinVar variation 3717288 (VCV003717288.2).

ClinVar aggregate classification (germline): Uncertain significance (1 of 4 stars; one submission).

Submission:

Labcorp Genetics (formerly Invitae), Labcorp
Classification: Uncertain significance. Last evaluated: 2024-03-26. Review status: criteria provided, single submitter. Criteria: Invitae Variant Classification Sherloc (09022015). Collection method: clinical testing. Allele origin: germline.
Comment: This sequence change replaces arginine, which is basic and polar, with isoleucine, which is neutral and non-polar, at codon 14 of the COL4A4 protein (p.Arg14Ile). This variant is not present in population databases (gnomAD no frequency). This variant has not been reported in the literature in individuals affected with COL4A4-related conditions. Advanced modeling of protein sequence and biophysical properties (such as structural, functional, and spatial information, amino acid conservation, physicochemical variation, residue mobility, and thermodynamic stability) performed at Invitae indicates that this missense variant is not expected to disrupt COL4A4 protein function with a negative predictive value of 95%. In summary, the available evidence is currently insufficient to determine the role of this variant in disease. Therefore, it has been classified as a Variant of Uncertain Significance.